The following is an entry in ClinVar:

NM_001160372.4(TRAPPC9):c.1628T>C (p.Val543Ala)

Gene: TRAPPC9 (trafficking protein particle complex subunit 9; minus strand). Cytogenetic location: 8q24.3.
Variant type: single nucleotide variant.
Coding change: c.1628T>C on transcript NM_001160372.4 (MANE Select); coding-DNA position 1628, T replaced by C.
Protein change: p.Val543Ala; replaces valine 543 with alanine.
Molecular consequence: missense variant. On other transcripts: non-coding transcript variant (1).
Genome position (GRCh38, 1-based): chr8:140,300,609, A>G on the plus strand (T>C on the coding strand, the complement: TRAPPC9 is on the minus strand). VCF-style: chr8-140300609-A-G. GRCh37 (hg19) VCF-style: chr8-141310708-A-G.
Other names: c.1601T>C, p.Val534Ala (NM_001321646.2); c.1649T>C, p.Val550Ala (NM_001374682.1); c.1628T>C, p.Val543Ala (NM_001374683.1, NM_031466.8); c.1484T>C, p.Val495Ala (NM_001374684.1); c.1922T>C (NM_031466.5); short protein forms V495A, V534A, V543A, V550A.
Identifiers: ClinVar variation 1352616 (VCV001352616.4), dbSNP rs200886297, ClinGen allele CA4893374.

ClinVar aggregate classification (germline): Uncertain significance. Review status: criteria provided, multiple submitters, no conflicts (2 of 4 stars). 2 submissions from 2 submitters: Uncertain significance (2). Last evaluated 2022-08-21.

Conditions:
Inborn genetic diseases. Identifiers: MedGen C0950123, MeSH D030342.

Allele frequency attached by ClinVar (database versions not stated): ExAC 0.00009; gnomAD exomes 0.00013 and 0.00018; ESP Exome Variant Server 0.00015; 1000 Genomes Project 0.00020; TOPMed 0.00022; gnomAD 0.00024; 1000 Genomes Project 30x 0.00031.
gnomAD v4.1: 307 of 1,614,240 alleles (0.019%); highest among the groups gnomAD compares: Admixed American, 0.048%; no homozygotes.

Submissions (2):

Labcorp Genetics (formerly Invitae), Labcorp
Classification: Uncertain significance. Last evaluated: 2022-08-21. Review status: criteria provided, single submitter. Criteria: Invitae Variant Classification Sherloc (09022015). Collection method: clinical testing. Allele origin: germline.
Comment: This sequence change replaces valine, which is neutral and non-polar, with alanine, which is neutral and non-polar, at codon 641 of the TRAPPC9 protein (p.Val641Ala). This variant is present in population databases (rs200886297, gnomAD 0.03%). This variant has not been reported in the literature in individuals affected with TRAPPC9-related conditions. ClinVar contains an entry for this variant (Variation ID: 1352616). Algorithms developed to predict the effect of missense changes on protein structure and function are either unavailable or do not agree on the potential impact of this missense change (SIFT: "Not Available"; PolyPhen-2: "Benign"; Align-GVGD: "Not Available"). In summary, the available evidence is currently insufficient to determine the role of this variant in disease. Therefore, it has been classified as a Variant of Uncertain Significance.

Ambry Genetics
Classification: Uncertain significance for Inborn genetic diseases. Last evaluated: 2021-04-01. Review status: criteria provided, single submitter. Criteria: Ambry Variant Classification Scheme 2023. Collection method: clinical testing. Allele origin: germline.